The following is an entry in ClinVar:

NM_001558.4(IL10RA):c.670A>G (p.Ile224Val)

Gene: IL10RA (interleukin 10 receptor subunit alpha; plus strand). Cytogenetic location: 11q23.3.
Variant type: single nucleotide variant.
Coding change: c.670A>G on transcript NM_001558.4 (MANE Select); coding-DNA position 670, A replaced by G.
Protein change: p.Ile224Val; replaces isoleucine 224 with valine.
Molecular consequence: missense variant. On other transcripts: non-coding transcript variant (1).
Genome position (GRCh38, 1-based): chr11:117,994,131, A>G. VCF-style: chr11-117994131-A-G. GRCh37 (hg19) VCF-style: chr11-117864846-A-G.
Other names: short protein forms I224V.
Identifiers: ClinVar variation 302548 (VCV000302548.19), dbSNP rs2228055, ClinGen allele CA6299003.

ClinVar aggregate classification (germline): Benign/Likely benign. Review status: criteria provided, multiple submitters, no conflicts (2 of 4 stars). 6 submissions from 6 submitters: Benign (5); Likely benign (1). Last evaluated 2026-02-04.

Conditions:
Inflammatory bowel disease 28. Also called: Inflammatory bowel disease 28, early onset, autosomal recessive. Identifiers: Orphanet 238569, MedGen C2751053, MONDO:0013153, OMIM 613148.

Allele frequency attached by ClinVar (database versions not stated): ESP Exome Variant Server 0.04087; gnomAD 0.04765 and 0.05456; TOPMed 0.05183; ExAC 0.08078; gnomAD exomes 0.08215; 1000 Genomes Project 30x 0.10868; 1000 Genomes Project 0.11442.
gnomAD v4.1: 103,036 of 1,613,634 alleles (6.4%); highest among the groups gnomAD compares: East Asian, 37%; 6,059 homozygotes.

Submissions (6):

Labcorp Genetics (formerly Invitae), Labcorp
Classification: Benign for Inflammatory bowel disease 28. Last evaluated: 2026-02-04. Review status: criteria provided, single submitter. Criteria: Invitae Variant Classification Sherloc (09022015). Collection method: clinical testing. Allele origin: germline.

Blueprint Genetics
Classification: Likely benign. Last evaluated: 2024-11-27. Review status: criteria provided, single submitter. Criteria: ACMG Guidelines, 2015. Collection method: clinical testing. Allele origin: germline.

GeneDx
Classification: Benign. Last evaluated: 2018-07-13. Review status: criteria provided, single submitter. Criteria: GeneDx Variant Classification Process June 2021. Collection method: clinical testing. Allele origin: germline. Affected: yes.
Comment: This variant is associated with the following publications: (PMID: 29248579, 29755507)

Mayo Clinic Laboratories, Mayo Clinic
Classification: Benign. Last evaluated: 2018-04-11. Review status: criteria provided, single submitter. Criteria: ACMG Guidelines, 2015. Collection method: clinical testing. Allele origin: germline. Observed: 146 variant alleles.

Illumina Laboratory Services, Illumina
Classification: Benign for Inflammatory bowel disease 28. Last evaluated: 2018-01-13. Review status: criteria provided, single submitter. Criteria: ICSL Variant Classification Criteria 13 December 2019. Collection method: clinical testing. Allele origin: germline.
Comment: This variant was observed in the ICSL laboratory as part of a predisposition screen in an ostensibly healthy population. It had not been previously curated by ICSL or reported in the Human Gene Mutation Database (HGMD: prior to June 1st, 2018), and was therefore a candidate for classification through an automated scoring system. Utilizing variant allele frequency, disease prevalence and penetrance estimates, and inheritance mode, an automated score was calculated to assess if this variant is too frequent to cause the disease. Based on the score and internal cut-off values, a variant classified as benign is not then subjected to further curation. The score for this variant resulted in a classification of benign for this disease.

Breakthrough Genomics
Classification: Benign. Review status: criteria provided, single submitter. Criteria: ACMG Guidelines, 2015. Collection method: not provided. Allele origin: germline. Inheritance: Autosomal recessive inheritance. Affected: yes.